The following is an entry in ClinVar:

ClinVar aggregate classification (germline): Uncertain significance (1 of 4 stars; one submission).

Submission:

CeGaT Center for Human Genetics Tuebingen
Classification: Uncertain significance. Last evaluated: 2026-06-01. Review status: criteria provided, single submitter. Criteria: CeGaT Center For Human Genetics Tuebingen Variant Classification Criteria Version 2. Collection method: clinical testing. Allele origin: germline. Affected: yes. Observed: 1 variant allele.
Comment: POLR2A: PM2, PP2

NM_000937.5(POLR2A):c.3876G>T (p.Met1292Ile)

Genes: POLR2A (RNA polymerase II subunit A; plus strand), LOC126862482 (CDK7 strongly-dependent group 2 enhancer GRCh37_chr17:7414586-7415785; plus strand). Cytogenetic location: 17p13.1.
Variant type: single nucleotide variant.
Coding change: c.3876G>T on transcript NM_000937.5 (MANE Select); coding-DNA position 3876, G replaced by T.
Protein change: p.Met1292Ile; replaces methionine 1292 with isoleucine.
Molecular consequence: missense variant.
Genome position (GRCh38, 1-based): chr17:7,511,277, G>T. VCF-style: chr17-7511277-G-T. GRCh37 (hg19) VCF-style: chr17-7414596-G-T.
Other names: short protein forms M1292I.
Identifiers: ClinVar variation 4875331 (VCV004875331.2).